The following is an entry in ClinVar:

ClinVar aggregate classification (germline): Conflicting classifications of pathogenicity. Review status: criteria provided, conflicting classifications (1 of 4 stars). 6 submissions from 6 submitters: Uncertain significance (2); Benign (1); Likely benign (3). Last evaluated 2026-10-01.

Conditions:
Long QT syndrome 8. Identifiers: MedGen CN260585, MONDO:0032756, OMIM 618447.
Timothy syndrome (TS). Also called: LONG QT SYNDROME WITH SYNDACTYLY. Identifiers: Orphanet 65283, MedGen C1832916, MeSH C536962, MONDO:0010979, OMIM 601005.
Neurodevelopmental disorder with hypotonia, language delay, and skeletal defects with or without seizures (NEDHLSS). Identifiers: MedGen C5774213, MONDO:0859286, OMIM 620029.
Brugada syndrome 3 (BRGDA3). Identifiers: Orphanet 130, MedGen C2678478, MONDO:0012742, OMIM 611875.

Allele frequency attached by ClinVar (database versions not stated): gnomAD exomes 0.00013 and 0.00037; ExAC 0.00045; gnomAD 0.00161 and 0.00169; TOPMed 0.00176; ESP Exome Variant Server 0.00194; 1000 Genomes Project 30x 0.00219; 1000 Genomes Project 0.00220.
gnomAD v4.1: 443 of 1,610,260 alleles (0.028%); highest among the groups gnomAD compares: African/African-American, 0.47%; 1 homozygote.

Submissions (6):

CeGaT Center for Human Genetics Tuebingen
Classification: Likely benign. Last evaluated: 2026-10-01. Review status: criteria provided, single submitter. Criteria: CeGaT Center For Human Genetics Tuebingen Variant Classification Criteria Version 2. Collection method: clinical testing. Allele origin: germline. Affected: yes. Observed: 2 variant alleles.
Comment: CACNA1C: BS1

ARUP Laboratories, Molecular Genetics and Genomics, ARUP Laboratories
Classification: Likely benign. Last evaluated: 2025-07-08. Review status: criteria provided, single submitter. Criteria: ARUP Molecular Germline Variant Investigation Process 2024. Collection method: clinical testing. Allele origin: germline.

Molecular Diagnostic Laboratory for Inherited Cardiovascular Disease, Montreal Heart Institute
Classification: Likely benign. Last evaluated: 2025-04-09. Review status: criteria provided, single submitter. Criteria: ACMG Guidelines, 2015. Collection method: clinical testing. Allele origin: germline. Affected: no.

Dasa
Classification: Uncertain significance. Last evaluated: 2025-03-27. Review status: criteria provided, single submitter. Criteria: DASA Assertion Criteria. Collection method: clinical testing. Allele origin: germline.
Comment: NM_001129827.2(CACNA1C):c.3943A>G (p.Ile1315Val) is a missense variant that results in the substitution of isoleucine with valine. This classification is supported by population frequency inconsistent with a disease-causing role. The currently available literature and clinical evidence are not sufficient to establish a definitive association between this variant and the reported condition. Therefore, this variant is classified as a variant of uncertain significance.

GeneDx
Classification: Benign. Last evaluated: 2014-08-07. Review status: criteria provided, single submitter. Criteria: GeneDx Variant Classification (06012015). Collection method: clinical testing. Allele origin: germline. Affected: yes.
Comment: This variant is considered likely benign or benign based on one or more of the following criteria: it is a conservative change, it occurs at a poorly conserved position in the protein, it is predicted to be benign by multiple in silico algorithms, and/or has population frequency not consistent with disease.

Center for Genomics, Ann and Robert H. Lurie Children's Hospital of Chicago
Classification: Uncertain significance for Timothy syndrome; Long QT syndrome 8; Neurodevelopmental disorder with hypotonia, language delay, and skeletal defects with or without seizures; Brugada syndrome 3. Review status: criteria provided, single submitter. Criteria: ACMG Guidelines, 2015. Collection method: clinical testing. Allele origin: germline.
Comment: CACNA1C NM_001129836.1 exon 30 p.Ile1295Val (c.3883A>G): This variant has not been reported in the literature but is present in 0.4% (116/24132) of African alleles in the Genome Aggregation Database. This variant is also present in ClinVar (Variation ID:190614). This variant amino acid Valine (Val) is present in >10 species; this suggests that this variant may not impact the protein. Additional computational prediction tools are unclear. In summary, data on this variant is insufficient for disease classification. Therefore, the clinical significance of this variant is uncertain.

NM_001167623.2(CACNA1C):c.3883A>G (p.Ile1295Val)

Gene: CACNA1C (calcium voltage-gated channel subunit alpha1 C; plus strand). Cytogenetic location: 12p13.33.
Variant type: single nucleotide variant.
Coding change: c.3883A>G on transcript NM_001167623.2 (MANE Plus Clinical); coding-DNA position 3883, A replaced by G.
Protein change: p.Ile1295Val; replaces isoleucine 1295 with valine.
Molecular consequence: missense variant. On other transcripts: intron variant (13).
Genome position (GRCh38, 1-based): chr12:2,633,683, A>G. VCF-style: chr12-2633683-A-G. GRCh37 (hg19) VCF-style: chr12-2742849-A-G.
Other names: p.I1295V:ATA>GTA; c.3943A>G, p.Ile1315Val (NM_001129827.2, NM_199460.4); c.3883A>G, p.Ile1295Val (NM_001129831.2, NM_001129833.2, NM_001129836.2 and 3 more transcripts); c.3874A>G, p.Ile1292Val (NM_001129844.2); c.3829-614A>G (NM_001167625.2, NM_001129840.2, NM_001129829.2 and 9 more transcripts); c.3889-614A>G (NM_001129832.2); c.3883A>G (NM_001129833.1); short protein forms I1295V, I1315V, I1292V.
Identifiers: ClinVar variation 190614 (VCV000190614.28), dbSNP rs114851656, ClinGen allele CA301113.
Genomic context (GRCh38, chr12:2,633,683, plus strand): 5'-ATGTAGGGTTACTTTAGTGATCCCTGGAATGTTTTTGACTTCCTCATCGTAATTGGCAGC[A>G]TAATTGACGTCATTCTCAGTGAGACTAATGTGAGTATTACTCTGCCCTCCCCAGGAAACC-3'
Protein context (NP_001161095.1, residues 1285-1305): VFDFLIVIGS[Ile1295Val]IDVILSETNP